The following is an entry in ClinVar:

NM_004364.5(CEBPA):c.301G>T (p.Gly101Cys)

Gene: CEBPA (CCAAT enhancer binding protein alpha; minus strand). Cytogenetic location: 19q13.11.
Variant type: single nucleotide variant.
Coding change: c.301G>T on transcript NM_004364.5 (MANE Select); coding-DNA position 301, G replaced by T.
Protein change: p.Gly101Cys; replaces glycine 101 with cysteine.
Molecular consequence: missense variant. On other transcripts: 5 prime UTR variant (1).
Genome position (GRCh38, 1-based): chr19:33,302,114, C>A on the plus strand (G>T on the coding strand, the complement: CEBPA is on the minus strand). VCF-style: chr19-33302114-C-A. GRCh37 (hg19) VCF-style: chr19-33793020-C-A.
Other names: c.-57G>T (NM_001285829.2); c.406G>T, p.Gly136Cys (NM_001287424.2); c.259G>T, p.Gly87Cys (NM_001287435.2); c.301G>T (NM_004364.3); short protein forms G101C, G136C, G87C.
Identifiers: ClinVar variation 665664 (VCV000665664.11), dbSNP rs1600023637, ClinGen allele CA405275237.

ClinVar aggregate classification (germline): Uncertain significance. Review status: criteria provided, multiple submitters, no conflicts (2 of 4 stars). 3 submissions from 3 submitters: Uncertain significance (3). Last evaluated 2025-08-01.

Conditions:
Inborn genetic diseases. Identifiers: MedGen C0950123, MeSH D030342.
Acute myeloid leukemia (AML). Also called: Acute myeloid leukemia, adult; AML adult; Acute non-lymphocytic leukemia; Acute granulocytic leukemia; Leukemia, acute myeloid, somatic; Leukemia, acute myelogenous, somatic. Identifiers: Orphanet 519, MedGen C0023467, MeSH D015470, MONDO:0018874, OMIM 601626, HP:0004808. Disease mechanism: Constitutively activated FLT3.

Submissions (3):

Ambry Genetics
Classification: Uncertain significance for Inborn genetic diseases. Last evaluated: 2025-08-01. Review status: criteria provided, single submitter. Criteria: Ambry Variant Classification Scheme 2023. Collection method: clinical testing. Allele origin: germline.
Comment: The p.G101C variant (also known as c.301G>T), located in coding exon 1 of the CEBPA gene, results from a G to T substitution at nucleotide position 301. The glycine at codon 101 is replaced by cysteine, an amino acid with highly dissimilar properties. This amino acid position is conserved. In addition, this alteration is predicted to be tolerated by in silico analysis. Based on the available evidence, the clinical significance of this variant remains unclear.

Labcorp Genetics (formerly Invitae), Labcorp
Classification: Uncertain significance for Acute myeloid leukemia. Last evaluated: 2025-07-08. Review status: criteria provided, single submitter. Criteria: Invitae Variant Classification Sherloc (09022015). Collection method: clinical testing. Allele origin: germline.
Comment: This sequence change replaces glycine, which is neutral and non-polar, with cysteine, which is neutral and slightly polar, at codon 101 of the CEBPA protein (p.Gly101Cys). This variant is not present in population databases (gnomAD no frequency). This variant has not been reported in the literature in individuals affected with CEBPA-related conditions. ClinVar contains an entry for this variant (Variation ID: 665664). An algorithm developed to predict the effect of missense changes on protein structure and function (PolyPhen-2) suggests that this variant is likely to be disruptive. In summary, the available evidence is currently insufficient to determine the role of this variant in disease. Therefore, it has been classified as a Variant of Uncertain Significance.

GeneDx
Classification: Uncertain significance. Last evaluated: 2023-05-04. Review status: criteria provided, single submitter. Criteria: GeneDx Variant Classification Process June 2021. Collection method: clinical testing. Allele origin: germline. Affected: yes.
Comment: Not observed at significant frequency in large population cohorts (gnomAD); In silico analysis supports that this missense variant does not alter protein structure/function; Has not been previously published as pathogenic or benign to our knowledge